The following is an entry in ClinVar:

ClinVar aggregate classification (germline): Pathogenic/Likely pathogenic. Review status: criteria provided, multiple submitters, no conflicts (2 of 4 stars). 2 submissions from 2 submitters: Pathogenic (1); Likely pathogenic (1). Last evaluated 2022-03-15.

Conditions:
Mosaic variegated aneuploidy syndrome 2 (MVA2). Identifiers: Orphanet 1052, MedGen C3279843, MONDO:0013582, OMIM 614114.

gnomAD v4.1: 7 of 1,612,720 alleles (0.00043%); highest among the groups gnomAD compares: African/African-American, 0.0013%; no homozygotes.

Submissions (2):

Labcorp Genetics (formerly Invitae), Labcorp
Classification: Pathogenic for Mosaic variegated aneuploidy syndrome 2. Last evaluated: 2022-03-15. Review status: criteria provided, single submitter. Criteria: Invitae Variant Classification Sherloc (09022015). Collection method: clinical testing. Allele origin: germline.
Comment: For these reasons, this variant has been classified as Pathogenic. This variant has not been reported in the literature in individuals affected with CEP57-related conditions. This variant is not present in population databases (gnomAD no frequency). This sequence change creates a premature translational stop signal (p.Arg175*) in the CEP57 gene. It is expected to result in an absent or disrupted protein product. Loss-of-function variants in CEP57 are known to be pathogenic (PMID: 21552266, 24259107).

Juno Genomics, Hangzhou Juno Genomics, Inc
Classification: Likely pathogenic for Mosaic variegated aneuploidy syndrome 2. Review status: criteria provided, single submitter. Criteria: ACMG Guidelines, 2015. Collection method: clinical testing. Allele origin: germline.
Comment: Absent from controls (or at extremely low frequency if recessive) in Genome Aggregation Database.;Null variant in a gene where loss of function (LOF) is a known mechanism of disease.

Literature cited by the submitters: PubMed 21552266 (cited by Labcorp Genetics (formerly Invitae), Labcorp); PubMed 24259107 (cited by Labcorp Genetics (formerly Invitae), Labcorp).

NM_014679.5(CEP57):c.523C>T (p.Arg175Ter)

Gene: CEP57 (centrosomal protein 57; plus strand). Cytogenetic location: 11q21.
Variant type: single nucleotide variant.
Coding change: c.523C>T on transcript NM_014679.5 (MANE Select); coding-DNA position 523, C replaced by T.
Protein change: p.Arg175Ter; replaces arginine 175 with a stop codon.
Molecular consequence: nonsense.
Genome position (GRCh38, 1-based): chr11:95,817,805, C>T. VCF-style: chr11-95817805-C-T. GRCh37 (hg19) VCF-style: chr11-95550969-C-T.
Other names: c.496C>T, p.Arg166Ter (NM_001243776.2); c.523C>T, p.Arg175Ter (NM_001243777.2); c.442C>T, p.Arg148Ter (NM_001363604.2); short protein forms R148*, R175*, R166*.
Identifiers: ClinVar variation 1421218 (VCV001421218.8), dbSNP rs775752088, ClinGen allele CA382422682.